The following is an entry in ClinVar:

NM_138713.4(NFAT5):c.1912A>G (p.Thr638Ala)

Gene: NFAT5 (nuclear factor of activated T cells 5; plus strand). Cytogenetic location: 16q22.1.
Variant type: single nucleotide variant.
Coding change: c.1912A>G on transcript NM_138713.4 (MANE Select); coding-DNA position 1912, A replaced by G.
Protein change: p.Thr638Ala; replaces threonine 638 with alanine.
Molecular consequence: missense variant.
Genome position (GRCh38, 1-based): chr16:69,691,077, A>G. VCF-style: chr16-69691077-A-G. GRCh37 (hg19) VCF-style: chr16-69724980-A-G.
Other names: c.1909A>G, p.Thr637Ala (NM_001113178.3); c.1237A>G, p.Thr413Ala (NM_001367709.1); c.1858A>G, p.Thr620Ala (NM_006599.4); c.1630A>G, p.Thr544Ala (NM_138714.4, NM_173214.3, NM_173215.3); short protein forms T413A, T638A, T544A, T620A, T637A.
Identifiers: ClinVar variation 2987863 (VCV002987863.3), dbSNP rs753691324, ClinGen allele CA8135681.

ClinVar aggregate classification (germline): Uncertain significance (1 of 4 stars; one submission).

Conditions:
Immunodeficiency. Identifiers: MedGen C0021051, MONDO:0021094, HP:0002721.

Allele frequency attached by ClinVar (database versions not stated): ExAC 0.00001; gnomAD 0.00001; TOPMed 0.00001.
gnomAD v4.1: 7 of 1,597,436 alleles (0.00044%); highest among the groups gnomAD compares: Admixed American, 0.0018%; no homozygotes.

Submission:

Labcorp Genetics (formerly Invitae), Labcorp
Classification: Uncertain significance for Immunodeficiency. Last evaluated: 2024-01-16. Review status: criteria provided, single submitter. Criteria: Invitae Variant Classification Sherloc (09022015). Collection method: clinical testing. Allele origin: germline.
Comment: This sequence change replaces threonine, which is neutral and polar, with alanine, which is neutral and non-polar, at codon 544 of the NFAT5 protein (p.Thr544Ala). This variant is present in population databases (rs753691324, gnomAD 0.0009%). This variant has not been reported in the literature in individuals affected with NFAT5-related conditions. An algorithm developed to predict the effect of missense changes on protein structure and function (PolyPhen-2) suggests that this variant is likely to be tolerated. In summary, the available evidence is currently insufficient to determine the role of this variant in disease. Therefore, it has been classified as a Variant of Uncertain Significance.